The following is an entry in ClinVar:

ClinVar aggregate classification (germline): Conflicting classifications of pathogenicity. Review status: criteria provided, conflicting classifications (1 of 4 stars). 8 submissions from 8 submitters: Uncertain significance (7); Likely benign (1). Last evaluated 2025-10-22.

Conditions:
Lynch syndrome. Identifiers: Orphanet 144, MedGen C4552100, MONDO:0005835. Disease mechanism: loss of function.
Endometrial carcinoma. Also called: Endometrial carcinoma, somatic. Identifiers: MedGen C0476089, MONDO:0002447, OMIM 608089, HP:0012114.
Hereditary nonpolyposis colorectal neoplasms. Identifiers: MedGen C0009405, MeSH D003123.
Hereditary cancer-predisposing syndrome. Also called: Tumor predisposition; Hereditary Cancer Syndrome; Hereditary neoplastic syndrome; Neoplastic Syndromes, Hereditary. Identifiers: Orphanet 140162, MedGen C0027672, MeSH D009386, MONDO:0015356.
Lynch syndrome 5 (LYNCH5). Also called: Hereditary non-polyposis colorectal cancer, type 5; Colorectal cancer, hereditary nonpolyposis, type 5. Identifiers: Orphanet 144, MedGen C1833477, MONDO:0013710, OMIM 614350. Disease mechanism: loss of function.

Allele frequency attached by ClinVar (database versions not stated): gnomAD exomes below 0.00001 and 0.00001; ExAC 0.00002; TOPMed 0.00002; gnomAD 0.00003 and 0.00004; ESP Exome Variant Server 0.00015.

Submissions (8):

Labcorp Genetics (formerly Invitae), Labcorp
Classification: Likely benign for Hereditary nonpolyposis colorectal neoplasms. Last evaluated: 2025-10-22. Review status: criteria provided, single submitter. Criteria: Invitae Variant Classification Sherloc (09022015). Collection method: clinical testing. Allele origin: germline.

Ambry Genetics
Classification: Uncertain significance for Hereditary cancer-predisposing syndrome. Last evaluated: 2025-08-13. Review status: criteria provided, single submitter. Criteria: Ambry Variant Classification Scheme 2023. Collection method: clinical testing. Allele origin: germline.
Comment: The p.P673A variant (also known as c.2017C>G), located in coding exon 4 of the MSH6 gene, results from a C to G substitution at nucleotide position 2017. The proline at codon 673 is replaced by alanine, an amino acid with highly similar properties. In one study, this variant was detected in 0/165 colorectal cancer and/or polyposis patients and was identified in 1/2512 control individuals from a healthy population database (Rosenthal EA et al. Hum Genet, 2018 Oct;137:795-806). This variant was also reported in 1/60,466 breast cancer cases and in 0/53,461 controls (Dorling et al. N Engl J Med. 2021 02;384:428-439).This amino acid position is highly conserved in available vertebrate species. In addition, the in silico prediction for this alteration is inconclusive. Since supporting evidence is limited at this time, the clinical significance of this alteration remains unclear.

Color Diagnostics, LLC DBA Color Health
Classification: Uncertain significance for Hereditary cancer-predisposing syndrome. Last evaluated: 2025-02-18. Review status: criteria provided, single submitter. Criteria: ACMG Guidelines, 2015. Collection method: clinical testing. Allele origin: germline.
Comment: This missense variant replaces proline with alanine at codon 673 of the MSH6 protein. Computational prediction suggests that this variant may not impact protein structure and function (internally defined REVEL score threshold <= 0.5, PMID: 27666373). To our knowledge, functional studies have not been reported for this variant. This variant has been reported in an individual affected with breast cancer (PMID: 33471991). This variant has been identified in 7/1613704 chromosomes in the general population by the Genome Aggregation Database (gnomAD). The available evidence is insufficient to determine the role of this variant in disease conclusively. Therefore, this variant is classified as a Variant of Uncertain Significance.

Baylor Genetics
Classification: Uncertain significance for Endometrial carcinoma. Last evaluated: 2024-03-13. Review status: criteria provided, single submitter. Criteria: ACMG Guidelines, 2015. Collection method: clinical testing. Allele origin: unknown.

All of Us Research Program, National Institutes of Health
Classification: Uncertain significance for Lynch syndrome. Last evaluated: 2023-10-30. Review status: criteria provided, single submitter. Criteria: ACMG Guidelines, 2015. Collection method: clinical testing. Allele origin: germline. Inheritance: Autosomal dominant inheritance. Observed: 6 variant alleles, 6 heterozygotes.
Comment: This missense variant replaces proline with alanine at codon 673 of the MSH6 protein. Computational prediction suggests that this variant may not impact protein structure and function (internally defined REVEL score threshold <= 0.5, PMID: 27666373). To our knowledge, functional studies have not been reported for this variant. This variant has been reported in an individual affected with breast cancer (PMID: 33471991). This variant has been identified in 4/282320 chromosomes in the general population by the Genome Aggregation Database (gnomAD). The available evidence is insufficient to determine the role of this variant in disease conclusively. Therefore, this variant is classified as a Variant of Uncertain Significance.

This study involves interpretation of variants in research participants for the purpose of population health screening. Participant phenotype was not available at the time of variant classification. Additional details can be found in publication PMID: 35346344, PMCID: PMC8962531

Sema4
Classification: Uncertain significance for Hereditary cancer-predisposing syndrome. Last evaluated: 2022-03-05. Review status: criteria provided, single submitter. Criteria: Sema4 Curation Guidelines. Collection method: curation. Allele origin: germline.
Comment: The MSH6 c.2017C>G (p.P673A) variant has been reported in 1/60466 breast cancer cases and 0/53461 healthy controls by a large case-control study (PMID: 33471991). It was observed in 1/35426 chromosomes of the Latino subpopulation in the large and broad cohorts of the Genome Aggregation Database (PMID: 32461654). The variant has been reported in ClinVar (Variation ID 410451). Functional studies have not been performed, and in silico predictions of the variant's effect on protein function are inconclusive. The evidence is insufficient to meet ACMG/AMP criteria for classifying the variant as benign or pathogenic. Thus, the clinical significance of this variant is currently uncertain.

GeneDx
Classification: Uncertain significance. Last evaluated: 2021-11-16. Review status: criteria provided, single submitter. Criteria: GeneDx Variant Classification Process June 2021. Collection method: clinical testing. Allele origin: germline. Affected: yes.
Comment: Not observed at a significant frequency in large population cohorts (Lek 2016); In silico analysis supports that this missense variant has a deleterious effect on protein structure/function; Has not been previously published as pathogenic or benign to our knowledge; This variant is associated with the following publications: (PMID: 23621914, 17531815, 21120944)

Department of Pathology and Laboratory Medicine, Sinai Health System
Classification: Uncertain significance for Lynch syndrome 5. Last evaluated: 2020-12-08. Review status: criteria provided, single submitter. Criteria: ACMG Guidelines, 2015. Collection method: clinical testing. Allele origin: germline. Affected: yes.

Literature cited by the submitters: PubMed 30267214 (cited by Ambry Genetics); PubMed 33471991 (cited by 4 submitters).

NM_000179.3(MSH6):c.2017C>G (p.Pro673Ala)

Gene: MSH6 (mutS homolog 6; plus strand). Cytogenetic location: 2p16.3.
Variant type: single nucleotide variant.
Coding change: c.2017C>G on transcript NM_000179.3 (MANE Select); coding-DNA position 2017, C replaced by G.
Protein change: p.Pro673Ala; replaces proline 673 with alanine.
Molecular consequence: missense variant.
Genome position (GRCh38, 1-based): chr2:47,800,000, C>G. VCF-style: chr2-47800000-C-G. GRCh37 (hg19) VCF-style: chr2-48027139-C-G.
Other names: c.1627C>G, p.Pro543Ala (NM_001281492.2); c.1111C>G, p.Pro371Ala (NM_001281493.2, NM_001281494.2); short protein forms P673A, P543A, P371A.
Identifiers: ClinVar variation 410451 (VCV000410451.30), dbSNP rs377356882, ClinGen allele CA068368.